The following is an entry in ClinVar:

ClinVar aggregate classification (germline): Uncertain significance. Review status: criteria provided, multiple submitters, no conflicts (2 of 4 stars). 2 submissions from 2 submitters: Uncertain significance (2). Last evaluated 2025-12-08.

Conditions:
Inborn genetic diseases. Identifiers: MedGen C0950123, MeSH D030342.

gnomAD v4.1: 33 of 1,614,162 alleles (0.002%); highest among the groups gnomAD compares: East Asian, 0.0089%; no homozygotes.

Submissions (2):

Ambry Genetics
Classification: Uncertain significance for Inborn genetic diseases. Last evaluated: 2025-12-08. Review status: criteria provided, single submitter. Criteria: Ambry Variant Classification Scheme 2023. Collection method: clinical testing. Allele origin: germline.

GeneDx
Classification: Uncertain significance. Last evaluated: 2024-02-07. Review status: criteria provided, single submitter. Criteria: GeneDx Variant Classification Process June 2021. Collection method: clinical testing. Allele origin: germline. Affected: yes.
Comment: In silico analysis supports that this missense variant has a deleterious effect on protein structure/function; Has not been previously published as pathogenic or benign to our knowledge

NM_001303457.2(TTI1):c.1556G>A (p.Arg519Gln)

Gene: TTI1 (TELO2 interacting protein 1; minus strand). Cytogenetic location: 20q11.23.
Variant type: single nucleotide variant.
Coding change: c.1556G>A on transcript NM_001303457.2 (MANE Select); coding-DNA position 1556, G replaced by A.
Protein change: p.Arg519Gln; replaces arginine 519 with glutamine.
Molecular consequence: missense variant.
Genome position (GRCh38, 1-based): chr20:38,012,261, C>T on the plus strand (G>A on the coding strand, the complement: TTI1 is on the minus strand). VCF-style: chr20-38012261-C-T. GRCh37 (hg19) VCF-style: chr20-36640663-C-T.
Other names: c.1556G>A, p.Arg519Gln (NM_014657.3); c.1556G>A (NM_014657.1); short protein forms R519Q.
Identifiers: ClinVar variation 3368701 (VCV003368701.2).